The following is an entry in ClinVar:

NM_198904.4(GABRG2):c.1409T>C (p.Val470Ala)

Gene: GABRG2 (gamma-aminobutyric acid type A receptor subunit gamma2; plus strand). Cytogenetic location: 5q34.
Variant type: single nucleotide variant.
Coding change: c.1409T>C on transcript NM_198904.4 (MANE Select); coding-DNA position 1409, T replaced by C.
Protein change: p.Val470Ala; replaces valine 470 with alanine.
Molecular consequence: missense variant. On other transcripts: 3 prime UTR variant (1).
Genome position (GRCh38, 1-based): chr5:162,153,349, T>C. VCF-style: chr5-162153349-T-C. GRCh37 (hg19) VCF-style: chr5-161580355-T-C.
Other names: c.1385T>C, p.Val462Ala (NM_000816.3); c.1400T>C, p.Val467Ala (NM_001375339.1); c.*243T>C (NM_001375340.1); c.1406T>C, p.Val469Ala (NM_001375341.1); c.1382T>C, p.Val461Ala (NM_001375342.1); c.1505T>C, p.Val502Ala (NM_001375343.1); c.1448T>C, p.Val483Ala (NM_001375344.1); c.1319T>C, p.Val440Ala (NM_001375345.1); and 6 more; short protein forms V330A, V367A, V440A, V467A, V483A, V510A, V461A, V502A.
Identifiers: ClinVar variation 2945546 (VCV002945546.3), dbSNP rs2532776167, ClinGen allele CA362184196.

ClinVar aggregate classification (germline): Uncertain significance (1 of 4 stars; one submission).

Conditions:
EPILEPSY, CHILDHOOD ABSENCE, SUSCEPTIBILITY TO, 2 (ECA2). Identifiers: Orphanet 64280, MedGen C1843244, OMIM 607681.
Febrile seizures, familial, 8 (FEB8). Also called: CONVULSIONS, FAMILIAL FEBRILE, 8. Identifiers: Orphanet 36387, MedGen C1969810, MONDO:0011891, OMIM 607681.

Submission:

Labcorp Genetics (formerly Invitae), Labcorp
Classification: Uncertain significance for Febrile seizures, familial, 8; EPILEPSY, CHILDHOOD ABSENCE, SUSCEPTIBILITY TO, 2. Last evaluated: 2023-04-06. Review status: criteria provided, single submitter. Criteria: Invitae Variant Classification Sherloc (09022015). Collection method: clinical testing. Allele origin: germline.
Comment: This sequence change replaces valine, which is neutral and non-polar, with alanine, which is neutral and non-polar, at codon 462 of the GABRG2 protein (p.Val462Ala). This variant is not present in population databases (gnomAD no frequency). This variant has not been reported in the literature in individuals affected with GABRG2-related conditions. Advanced modeling of protein sequence and biophysical properties (such as structural, functional, and spatial information, amino acid conservation, physicochemical variation, residue mobility, and thermodynamic stability) has been performed at Invitae for this missense variant, however the output from this modeling did not meet the statistical confidence thresholds required to predict the impact of this variant on GABRG2 protein function. In summary, the available evidence is currently insufficient to determine the role of this variant in disease. Therefore, it has been classified as a Variant of Uncertain Significance.